The following is an entry in ClinVar:

ClinVar aggregate classification (germline): Uncertain significance (1 of 4 stars; one submission).

Submission:

GeneDx
Classification: Uncertain significance. Last evaluated: 2024-05-13. Review status: criteria provided, single submitter. Criteria: GeneDx Variant Classification Process June 2021. Collection method: clinical testing. Allele origin: germline. Affected: yes.
Comment: Not observed at significant frequency in large population cohorts (gnomAD); Canonical splice site variant in a gene or region of a gene for which loss of function is not a well-established mechanism of disease; Has not been previously published as pathogenic or benign to our knowledge

NM_003184.4(TAF2):c.300-2A>G

Gene: TAF2 (TATA-box binding protein associated factor 2; minus strand). Cytogenetic location: 8q24.12.
Variant type: single nucleotide variant.
Coding change: c.300-2A>G on transcript NM_003184.4 (MANE Select); the canonical splice acceptor site of the intron before coding-DNA position 300, A replaced by G.
Molecular consequence: splice acceptor variant.
Genome position (GRCh38, 1-based): chr8:119,806,403, T>C on the plus strand (A>G on the coding strand, the complement: TAF2 is on the minus strand). VCF-style: chr8-119806403-T-C. GRCh37 (hg19) VCF-style: chr8-120818643-T-C.
Identifiers: ClinVar variation 3378133 (VCV003378133.1).